The following is an entry in ClinVar:

NM_000257.4(MYH7):c.1135G>A (p.Glu379Lys)

Gene: MYH7 (myosin heavy chain 7; minus strand). Cytogenetic location: 14q11.2.
Variant type: single nucleotide variant.
Coding change: c.1135G>A on transcript NM_000257.4 (MANE Select); coding-DNA position 1135, G replaced by A.
Protein change: p.Glu379Lys; replaces glutamic acid 379 with lysine.
Molecular consequence: missense variant.
Genome position (GRCh38, 1-based): chr14:23,429,778, C>T on the plus strand (G>A on the coding strand, the complement: MYH7 is on the minus strand). VCF-style: chr14-23429778-C-T. GRCh37 (hg19) VCF-style: chr14-23898987-C-T.
Other names: p.E379K:GAA>AAA; c.1135G>A (LRG_384t1); short protein forms E379K.
Identifiers: ClinVar variation 181337 (VCV000181337.11), dbSNP rs730880866, ClinGen allele CA010258.

ClinVar aggregate classification (germline): Conflicting classifications of pathogenicity. Review status: criteria provided, conflicting classifications (1 of 4 stars). 3 submissions from 3 submitters: Likely pathogenic (2); Uncertain significance (1). Last evaluated 2023-12-11.

Conditions:
MYH7-related disorder. Also called: MYH7-related condition; MYH7-related disease; MYH7-related disorders.
Hypertrophic cardiomyopathy. Also called: HYPERTROPHIC MYOCARDIOPATHY. Identifiers: Orphanet 217569, MedGen C0007194, MeSH D002312, MONDO:0005045, HP:0001639.

Submissions (3):

Labcorp Genetics (formerly Invitae), Labcorp
Classification: Uncertain significance for Hypertrophic cardiomyopathy. Last evaluated: 2023-12-11. Review status: criteria provided, single submitter. Criteria: Invitae Variant Classification Sherloc (09022015). Collection method: clinical testing. Allele origin: germline.
Comment: This sequence change replaces glutamic acid, which is acidic and polar, with lysine, which is basic and polar, at codon 379 of the MYH7 protein (p.Glu379Lys). This variant is not present in population databases (gnomAD no frequency). This missense change has been observed in individual(s) with hypertrophic cardiomyopathy (PMID: 23233322, 33906374). ClinVar contains an entry for this variant (Variation ID: 181337). Advanced modeling of protein sequence and biophysical properties (such as structural, functional, and spatial information, amino acid conservation, physicochemical variation, residue mobility, and thermodynamic stability) performed at Invitae indicates that this missense variant is expected to disrupt MYH7 protein function with a positive predictive value of 95%. In summary, the available evidence is currently insufficient to determine the role of this variant in disease. Therefore, it has been classified as a Variant of Uncertain Significance.

GeneDx
Classification: Likely pathogenic. Last evaluated: 2023-11-09. Review status: criteria provided, single submitter. Criteria: GeneDx Variant Classification Process June 2021. Collection method: clinical testing. Allele origin: germline. Affected: yes.
Comment: Observed in individuals with HCM (PMID: 33906374, 23233322, 34601892); one of these individuals also harbored a variant in a different cardiomyopathy gene.; Not observed at significant frequency in large population cohorts (gnomAD); In silico analysis supports that this missense variant has a deleterious effect on protein structure/function; This variant is associated with the following publications: (PMID: 23233322, 34601892, 33065066, 27532257, 29300372, 33906374)

Blueprint Genetics
Classification: Likely pathogenic for MYH7-related disorders. Last evaluated: 2019-09-09. Review status: criteria provided, single submitter. Criteria: ACMG Guidelines, 2015. Collection method: clinical testing. Allele origin: germline. Affected: yes. Observed: 1 variant allele.

Literature cited by the submitters: PubMed 23233322 (cited by Labcorp Genetics (formerly Invitae), Labcorp); PubMed 33906374 (cited by Labcorp Genetics (formerly Invitae), Labcorp).